The following is an entry in ClinVar:

NM_002016.2(FLG):c.5472G>A (p.Arg1824=)

Genes: CCDST (cervical cancer associated DHX9 suppressive transcript; plus strand), FLG (filaggrin; minus strand). Cytogenetic location: 1q21.3.
Variant type: single nucleotide variant.
Coding change: c.5472G>A on transcript NM_002016.2 (MANE Select); coding-DNA position 5472, G replaced by A.
Protein change: p.Arg1824=; no amino-acid change (arginine 1824 retained).
Molecular consequence: synonymous variant.
Genome position (GRCh38, 1-based): chr1:152,309,414, C>T on the plus strand (G>A on the coding strand, the complement: FLG is on the minus strand). VCF-style: chr1-152309414-C-T. GRCh37 (hg19) VCF-style: chr1-152281890-C-T.
Identifiers: ClinVar variation 2639283 (VCV002639283.24), dbSNP rs1490922685, ClinGen allele CA420929505.

ClinVar aggregate classification (germline): Likely benign (1 of 4 stars; one submission).

Allele frequency attached by ClinVar (database versions not stated): gnomAD exomes 0.00001; 1000 Genomes Project 30x 0.00250.

Submission:

CeGaT Center for Human Genetics Tuebingen
Classification: Likely benign. Last evaluated: 2023-08-01. Review status: criteria provided, single submitter. Criteria: CeGaT Center For Human Genetics Tuebingen Variant Classification Criteria Version 2. Collection method: clinical testing. Allele origin: germline. Affected: yes. Observed: 1 variant allele.
Comment: FLG: BP4, BP7